The following is an entry in ClinVar:

NM_006531.5(IFT88):c.1037C>T (p.Pro346Leu)

Gene: IFT88 (intraflagellar transport 88; plus strand). Cytogenetic location: 13q12.11.
Variant type: single nucleotide variant.
Coding change: c.1037C>T on transcript NM_006531.5 (MANE Select); coding-DNA position 1037, C replaced by T.
Protein change: p.Pro346Leu; replaces proline 346 with leucine.
Molecular consequence: missense variant. On other transcripts: non-coding transcript variant (5).
Genome position (GRCh38, 1-based): chr13:20,601,929, C>T. VCF-style: chr13-20601929-C-T. GRCh37 (hg19) VCF-style: chr13-21176068-C-T.
Other names: p.Pro346Leu; c.980C>T, p.Pro327Leu (NM_001318491.2, NM_001353573.2, NM_001353575.2); c.1064C>T, p.Pro355Leu (NM_001318493.2, NM_001353565.2, NM_001353566.2 and 2 more transcripts); c.1037C>T, p.Pro346Leu (NM_001353568.2, NM_001353572.2); c.962C>T, p.Pro321Leu (NM_001353569.2, NM_001353570.2, NM_001353576.2 and 1 more transcripts); c.935C>T, p.Pro312Leu (NM_001353571.2, NM_001353578.2); c.878C>T, p.Pro293Leu (NM_001353574.2); c.404C>T, p.Pro135Leu (NM_001353579.2); and 1 more; short protein forms P321L, P327L, P346L, P135L, P312L, P355L, P293L.
Identifiers: ClinVar variation 2154875 (VCV002154875.7), dbSNP rs538922747, ClinGen allele CA6905241.

ClinVar aggregate classification (germline): Uncertain significance. Review status: criteria provided, multiple submitters, no conflicts (2 of 4 stars). 3 submissions from 3 submitters: Uncertain significance (3). Last evaluated 2025-08-08.

Allele frequency attached by ClinVar (database versions not stated): gnomAD 0.00001; ExAC 0.00002; 1000 Genomes Project 0.00020; 1000 Genomes Project 30x 0.00031.
gnomAD v4.1: 26 of 1,521,954 alleles (0.0017%); highest among the groups gnomAD compares: South Asian, 0.029%; no homozygotes.

Submissions (3):

Ambry Genetics
Classification: Uncertain significance. Last evaluated: 2025-08-08. Review status: criteria provided, single submitter. Criteria: Ambry Variant Classification Scheme 2023. Collection method: clinical testing. Allele origin: germline.

Labcorp Genetics (formerly Invitae), Labcorp
Classification: Uncertain significance. Last evaluated: 2022-06-27. Review status: criteria provided, single submitter. Criteria: Invitae Variant Classification Sherloc (09022015). Collection method: clinical testing. Allele origin: germline.
Comment: In summary, the available evidence is currently insufficient to determine the role of this variant in disease. Therefore, it has been classified as a Variant of Uncertain Significance. Algorithms developed to predict the effect of missense changes on protein structure and function are either unavailable or do not agree on the potential impact of this missense change (SIFT: "Not Available"; PolyPhen-2: "Benign"; Align-GVGD: "Not Available"). This variant has not been reported in the literature in individuals affected with IFT88-related conditions. This variant is present in population databases (rs538922747, gnomAD 0.03%). This sequence change replaces proline, which is neutral and non-polar, with leucine, which is neutral and non-polar, at codon 355 of the IFT88 protein (p.Pro355Leu).

Foundation for Research in Genetics and Endocrinology, FRIGE's Institute of Human Genetics
Classification: Uncertain significance. Review status: criteria provided, single submitter. Criteria: ACMG Guidelines, 2015. Collection method: clinical testing. Allele origin: germline. Inheritance: Autosomal recessive inheritance. Affected: yes.
Comment: A heterozygous missense variant in exon 12 of the IFT88 gene that results in substitution of leucine for proline at codon 346 was detected. The variant was observed in the 1000 Genomes and gnomAD database with MAF of 0.02% and 0.004%, respectively. In-silico prediction of the variant is damaging by MutationTaster and CADD. The reference codon is conserved across species. In summary, the variant meets our criteria to be classified as a variant of uncertain significance.